The following is an entry in ClinVar:

NM_000264.5(PTCH1):c.1928C>T (p.Pro643Leu)

Genes: PTCH1 (patched 1; minus strand), LOC100507346 (uncharacterized LOC100507346; plus strand). Cytogenetic location: 9q22.32.
Variant type: single nucleotide variant.
Coding change: c.1928C>T on transcript NM_000264.5 (MANE Select); coding-DNA position 1928, C replaced by T.
Protein change: p.Pro643Leu; replaces proline 643 with leucine.
Molecular consequence: missense variant. On other transcripts: non-coding transcript variant (2).
Genome position (GRCh38, 1-based): chr9:95,469,073, G>A on the plus strand (C>T on the coding strand, the complement: PTCH1 is on the minus strand). VCF-style: chr9-95469073-G-A. GRCh37 (hg19) VCF-style: chr9-98231355-G-A.
Other names: c.1730C>T, p.Pro577Leu (NM_001083602.3); c.1925C>T, p.Pro642Leu (NM_001083603.3); c.1475C>T, p.Pro492Leu (NM_001083604.3, NM_001083605.3, NM_001083606.3 and 1 more transcripts); c.1772C>T, p.Pro591Leu (NM_001354918.2); short protein forms P591L, P642L, P643L, P492L, P577L.
Identifiers: ClinVar variation 1782802 (VCV001782802.3), dbSNP rs1165662230, ClinGen allele CA374116028.

ClinVar aggregate classification (germline): Uncertain significance (1 of 4 stars; one submission).

Conditions:
Hereditary cancer-predisposing syndrome. Also called: Neoplastic Syndromes, Hereditary; Tumor predisposition; Hereditary Cancer Syndrome; Hereditary neoplastic syndrome. Identifiers: Orphanet 140162, MedGen C0027672, MeSH D009386, MONDO:0015356.

Allele frequency attached by ClinVar (database versions not stated): gnomAD 0.00001.
gnomAD v4.1: 1 of 1,614,008 alleles (0.000062%); highest among the groups gnomAD compares: Admixed American, 0.0017%; no homozygotes.

Submission:

Ambry Genetics
Classification: Uncertain significance for Hereditary cancer-predisposing syndrome. Last evaluated: 2024-11-09. Review status: criteria provided, single submitter. Criteria: Ambry Variant Classification Scheme 2023. Collection method: clinical testing. Allele origin: germline.
Comment: The p.P643L variant (also known as c.1928C>T), located in coding exon 14 of the PTCH1 gene, results from a C to T substitution at nucleotide position 1928. The proline at codon 643 is replaced by leucine, an amino acid with similar properties. This amino acid position is highly conserved in available vertebrate species. In addition, the in silico prediction for this alteration is inconclusive. Since supporting evidence is limited at this time, the clinical significance of this alteration remains unclear.